The following is an entry in ClinVar:

NM_001039.4(SCNN1G):c.199A>G (p.Ile67Val)

Gene: SCNN1G (sodium channel epithelial 1 subunit gamma; plus strand). Cytogenetic location: 16p12.2.
Variant type: single nucleotide variant.
Coding change: c.199A>G on transcript NM_001039.4 (MANE Select); coding-DNA position 199, A replaced by G.
Protein change: p.Ile67Val; replaces isoleucine 67 with valine.
Molecular consequence: missense variant.
Genome position (GRCh38, 1-based): chr16:23,186,470, A>G. VCF-style: chr16-23186470-A-G. GRCh37 (hg19) VCF-style: chr16-23197791-A-G.
Other names: short protein forms I67V.
Identifiers: ClinVar variation 3579888 (VCV003579888.2).

ClinVar aggregate classification (germline): Uncertain significance. Review status: criteria provided, multiple submitters, no conflicts (2 of 4 stars). 2 submissions from 2 submitters: Uncertain significance (2). Last evaluated 2025-12-24.

Conditions:
Pseudohypoaldosteronism, type IB3, autosomal recessive (PHA1B3). Identifiers: MedGen C5774256, MONDO:0859318, OMIM 620126.
Bronchiectasis with or without elevated sweat chloride 3 (BESC3). Identifiers: Orphanet 60033, MedGen C2751324, MONDO:0013112, OMIM 613071.
Liddle syndrome 2. Identifiers: MedGen C4748251, MONDO:0020854, OMIM 618114.

gnomAD v4.1: 6 of 1,614,094 alleles (0.00037%); no homozygotes.

Submissions (2):

Labcorp Genetics (formerly Invitae), Labcorp
Classification: Uncertain significance. Last evaluated: 2025-12-24. Review status: criteria provided, single submitter. Criteria: Invitae Variant Classification Sherloc (09022015). Collection method: clinical testing. Allele origin: germline.
Comment: This sequence change replaces isoleucine, which is neutral and non-polar, with valine, which is neutral and non-polar, at codon 67 of the SCNN1G protein (p.Ile67Val). This variant is not present in population databases (gnomAD no frequency). This variant has not been reported in the literature in individuals affected with SCNN1G-related conditions. ClinVar contains an entry for this variant (Variation ID: 3579888). Invitae Evidence Modeling of protein sequence and biophysical properties (such as structural, functional, and spatial information, amino acid conservation, physicochemical variation, residue mobility, and thermodynamic stability) indicates that this missense variant is not expected to disrupt SCNN1G protein function with a negative predictive value of 80%. In summary, the available evidence is currently insufficient to determine the role of this variant in disease. Therefore, it has been classified as a Variant of Uncertain Significance.

Fulgent Genetics
Classification: Uncertain significance for Bronchiectasis with or without elevated sweat chloride 3; Liddle syndrome 2; Pseudohypoaldosteronism, type IB3, autosomal recessive. Last evaluated: 2024-04-23. Review status: criteria provided, single submitter. Criteria: ACMG Guidelines, 2015. Collection method: clinical testing. Allele origin: germline.